The following is an entry in ClinVar:

ClinVar aggregate classification (germline): Benign/Likely benign. Review status: criteria provided, multiple submitters, no conflicts (2 of 4 stars). 11 submissions from 11 submitters: Benign (6); Likely benign (2). 3 of the submissions do not count toward it. Last evaluated 2026-02-04.

Conditions:
Nemaline myopathy 2 (NEM2). Also called: Nemaline myopathy 2, autosomal recessive. Identifiers: MedGen C1850569, MONDO:0009725, OMIM 256030.

Allele frequency attached by ClinVar (database versions not stated): 1000 Genomes Project 0.00679; 1000 Genomes Project 30x 0.00687; TOPMed 0.01041; ESP Exome Variant Server 0.01248.
gnomAD v4.1: 25,751 of 1,613,792 alleles (1.6%); highest among the groups gnomAD compares: South Asian, 2.1%; 261 homozygotes.

Submissions (11):

Labcorp Genetics (formerly Invitae), Labcorp
Classification: Benign for Nemaline myopathy 2. Last evaluated: 2026-02-04. Review status: criteria provided, single submitter. Criteria: Invitae Variant Classification Sherloc (09022015). Collection method: clinical testing. Allele origin: germline.

Mayo Clinic Laboratories, Mayo Clinic
Classification: Benign. Last evaluated: 2023-01-25. Review status: criteria provided, single submitter. Criteria: ACMG Guidelines, 2015. Collection method: clinical testing. Allele origin: germline. Observed: 10 variant alleles.
Comment: BS1, BS2, BP4

Women's Health and Genetics/Laboratory Corporation of America, LabCorp
Classification: Benign. Last evaluated: 2019-04-22. Review status: criteria provided, single submitter. Criteria: LabCorp Variant Classification Summary - May 2015. Collection method: clinical testing. Allele origin: germline.
Comment: Variant summary: NEB c.9467T>A (p.Ile3156Asn) results in a non-conservative amino acid change in the encoded protein sequence. One of two in-silico tools predict a benign effect of the variant on protein function. The variant allele was found at a frequency of 0.011 in 280432 control chromosomes, predominantly at a frequency of 0.021 within the South Asian subpopulation in the gnomAD database, including 8 homozygotes. The observed variant frequency within South Asian control individuals in the gnomAD database is approximately 6-folds higher than the estimated maximal expected allele frequency for a pathogenic variant in NEB causing Nemaline Myopathy 2 phenotype (0.0035), strongly suggesting that the variant is a benign polymorphism found primarily in populations of South Asian origin. To our knowledge, no occurrence of c.9467T>A in individuals affected with Nemaline Myopathy 2 and no experimental evidence demonstrating its impact on protein function have been reported. Four ClinVar submissions from clinical diagnostic laboratories (evaluation after 2014) cite the variant as likely benign/benign. Based on the evidence outlined above, the variant was classified as benign.

Athena Diagnostics
Classification: Likely benign. Last evaluated: 2017-05-23. Review status: criteria provided, single submitter. Criteria: Athena Diagnostics Criteria. Collection method: clinical testing. Allele origin: germline.

GeneDx
Classification: Benign. Last evaluated: 2016-03-03. Review status: criteria provided, single submitter. Criteria: GeneDx Variant Classification (06012015). Collection method: clinical testing. Allele origin: germline. Affected: yes.
Comment: This variant is considered likely benign or benign based on one or more of the following criteria: it is a conservative change, it occurs at a poorly conserved position in the protein, it is predicted to be benign by multiple in silico algorithms, and/or has population frequency not consistent with disease.

Center for Pediatric Genomic Medicine, Children's Mercy Hospital and Clinics
Classification: Benign. Last evaluated: 2015-12-21. Review status: criteria provided, single submitter. Criteria: ACMG Guidelines, 2015. Collection method: clinical testing. Allele origin: germline.

Breakthrough Genomics
Classification: Likely benign. Review status: criteria provided, single submitter. Criteria: ACMG Guidelines, 2015. Collection method: not provided. Allele origin: germline. Inheritance: Autosomal recessive inheritance. Affected: yes.

PreventionGenetics, part of Exact Sciences
Classification: Benign. Review status: criteria provided, single submitter. Criteria: ACMG Guidelines, 2015. Collection method: clinical testing. Allele origin: germline.

Natera, Inc.
Classification: Likely benign for Nemaline myopathy type 2. Last evaluated: 2019-12-05. Review status: no assertion criteria provided. Collection method: clinical testing. Allele origin: germline. Not counted in ClinVar's aggregate classification.

Genome Diagnostics Laboratory, University Medical Center Utrecht
Classification: Benign. Review status: no assertion criteria provided. Collection method: clinical testing. Allele origin: germline. Affected: yes. Study: VKGL Data-share Consensus. Not counted in ClinVar's aggregate classification.

Laboratory of Diagnostic Genome Analysis, Leiden University Medical Center (LUMC)
Classification: Likely benign. Review status: no assertion criteria provided. Collection method: clinical testing. Allele origin: germline. Affected: yes. Study: VKGL Data-share Consensus. Not counted in ClinVar's aggregate classification.

NM_001164508.2(NEB):c.9467T>A (p.Ile3156Asn)

Gene: NEB (nebulin; minus strand). Cytogenetic location: 2q23.3.
Variant type: single nucleotide variant.
Coding change: c.9467T>A on transcript NM_001164508.2 (MANE Select); coding-DNA position 9467, T replaced by A.
Protein change: p.Ile3156Asn; replaces isoleucine 3156 with asparagine.
Molecular consequence: missense variant. On other transcripts: intron variant (1).
Genome position (GRCh38, 1-based): chr2:151,631,294, A>T on the plus strand (T>A on the coding strand, the complement: NEB is on the minus strand). VCF-style: chr2-151631294-A-T. GRCh37 (hg19) VCF-style: chr2-152487808-A-T.
Other names: c.9467T>A, p.Ile3156Asn (NM_001164507.2, NM_001271208.2); c.8854-116T>A (NM_004543.5); short protein forms I3156N.
Identifiers: ClinVar variation 235444 (VCV000235444.21), dbSNP rs145770770, ClinGen allele CA1909316.